The following is an entry in ClinVar:

ClinVar aggregate classification (germline): Pathogenic (1 of 4 stars; one submission).

Conditions:
Renal cysts and diabetes syndrome (RCAD). Also called: Familial hypoplastic, glomerulocystic kidney; MATURITY-ONSET DIABETES OF THE YOUNG, TYPE 5. Identifiers: Orphanet 93111, MedGen C0431693, MONDO:0007669, OMIM 137920.

Submission:

Institute of Human Genetics, FAU Erlangen, Friedrich-Alexander-Universität Erlangen-Nürnberg
Classification: Pathogenic for Renal cysts and diabetes syndrome. Last evaluated: 2019-07-06. Review status: criteria provided, single submitter. Criteria: ACMG Guidelines, 2015. Collection method: literature only. Allele origin: germline. Affected: yes.
Comment: This variant and it's classification has been reported by Vasileiou et al. 2019; DOI:10.1101/576918. The variants has previously been reported in PMID:25700310; PMID:23520208; PMID:25536396 as "c.983delC; c.983delC" with clinical significance Pathogenic. It has been re-classified using InterVar and manual curation as Pathogenic based on PVS1 PM2 PP3.

Literature cited by the submitters: PubMed 25700310; PubMed 23520208; PubMed 25536396; DOI 10.1101/576918.

NM_000458.4(HNF1B):c.983del (p.Pro328fs)

Gene: HNF1B (HNF1 homeobox B; minus strand). Cytogenetic location: 17q12.
Variant type: Deletion.
Coding change: c.983del on transcript NM_000458.4 (MANE Select); coding-DNA position 983, one base deleted (C; older notation c.983delC).
Protein change: p.Pro328fs; shifts the reading frame from proline 328.
Molecular consequence: frameshift variant.
Genome position (GRCh38, 1-based): chr17:37,731,657, G deleted on the plus strand (C on the coding strand, the reverse complement: HNF1B is on the minus strand); the first of 3 consecutive G bases (chr17:37,731,657-37,731,659); deleting any one gives the same sequence. VCF-style (leftmost placement, unchanged base first): chr17-37731656-AG-A. GRCh37 (hg19) VCF-style: chr17-36091647-AG-A.
Other names: c.905del, p.Pro302fs (NM_001165923.4, NM_001304286.2); short protein forms P302fs, P328fs.
Identifiers: ClinVar variation 635619 (VCV000635619.1), dbSNP rs2511800778, ClinGen allele CA913190769.